The following is an entry in ClinVar:

ClinVar aggregate classification (germline): Uncertain significance. Review status: criteria provided, multiple submitters, no conflicts (2 of 4 stars). 2 submissions from 2 submitters: Uncertain significance (2). Last evaluated 2024-05-25.

Conditions:
Gorlin syndrome. Also called: Basal cell nevus syndrome; Nevoid Basal Cell Carcinoma Syndrome. Identifiers: Orphanet 377, MedGen C0004779, MONDO:0007187.
Hereditary cancer-predisposing syndrome. Also called: Neoplastic Syndromes, Hereditary; Hereditary neoplastic syndrome; Tumor predisposition; Hereditary Cancer Syndrome. Identifiers: Orphanet 140162, MedGen C0027672, MeSH D009386, MONDO:0015356.

Submissions (2):

Ambry Genetics
Classification: Uncertain significance for Hereditary cancer-predisposing syndrome. Last evaluated: 2024-05-25. Review status: criteria provided, single submitter. Criteria: Ambry Variant Classification Scheme 2023. Collection method: clinical testing. Allele origin: germline.
Comment: The p.Y1001C variant (also known as c.3002A>G), located in coding exon 18 of the PTCH1 gene, results from an A to G substitution at nucleotide position 3002. The tyrosine at codon 1001 is replaced by cysteine, an amino acid with highly dissimilar properties. This amino acid position is conserved. In addition, the in silico prediction for this alteration is inconclusive. Based on the available evidence, the clinical significance of this variant remains unclear.

Labcorp Genetics (formerly Invitae), Labcorp
Classification: Uncertain significance for Gorlin syndrome. Last evaluated: 2019-12-30. Review status: criteria provided, single submitter. Criteria: Invitae Variant Classification Sherloc (09022015). Collection method: clinical testing. Allele origin: germline.
Comment: In summary, the available evidence is currently insufficient to determine the role of this variant in disease. Therefore, it has been classified as a Variant of Uncertain Significance. Algorithms developed to predict the effect of sequence changes on RNA splicing suggest that this variant may create or strengthen a splice site, but this prediction has not been confirmed by published transcriptional studies. Algorithms developed to predict the effect of missense changes on protein structure and function are either unavailable or do not agree on the potential impact of this missense change (SIFT: "Deleterious"; PolyPhen-2: "Probably Damaging"; Align-GVGD: "Class C0"). This variant has not been reported in the literature in individuals with PTCH1-related conditions. This variant is not present in population databases (ExAC no frequency). This sequence change replaces tyrosine with cysteine at codon 1001 of the PTCH1 protein (p.Tyr1001Cys). The tyrosine residue is moderately conserved and there is a large physicochemical difference between tyrosine and cysteine.

NM_000264.5(PTCH1):c.3002A>G (p.Tyr1001Cys)

Gene: PTCH1 (patched 1; minus strand). Cytogenetic location: 9q22.32.
Variant type: single nucleotide variant.
Coding change: c.3002A>G on transcript NM_000264.5 (MANE Select); coding-DNA position 3002, A replaced by G.
Protein change: p.Tyr1001Cys; replaces tyrosine 1001 with cysteine.
Molecular consequence: missense variant. On other transcripts: non-coding transcript variant (1).
Genome position (GRCh38, 1-based): chr9:95,458,179, T>C on the plus strand (A>G on the coding strand, the complement: PTCH1 is on the minus strand). VCF-style: chr9-95458179-T-C. GRCh37 (hg19) VCF-style: chr9-98220461-T-C.
Other names: c.2804A>G, p.Tyr935Cys (NM_001083602.3); c.2999A>G, p.Tyr1000Cys (NM_001083603.3); c.2549A>G, p.Tyr850Cys (NM_001083604.3, NM_001083605.3, NM_001083606.3 and 1 more transcripts); c.2846A>G, p.Tyr949Cys (NM_001354918.2); short protein forms Y1000C, Y1001C, Y850C, Y949C, Y935C.
Identifiers: ClinVar variation 836303 (VCV000836303.11), dbSNP rs1839124423, ClinGen allele CA374112599.
Genomic context (GRCh38, chr9:95,458,179, plus strand): 5'-TACTGCTCCCAGAAGAGGAAGGGGTAGCCGTTGGGGTAACTGGACAGCCCCAGGCTCGTA[T>C]AGTTGCTGCAGATGGTCCTTACTTTTTCAATTGCCTCCACAAAGTCTGAGGTGTCCCGCA-3'
Protein context (NP_000255.2, residues 991-1011): IEKVRTICSN[Tyr1001Cys]TSLGLSSYPN